The following is an entry in ClinVar:

NM_024529.5(CDC73):c.314C>T (p.Ser105Leu)

Gene: CDC73 (cell division cycle 73; plus strand). Cytogenetic location: 1q31.2.
Variant type: single nucleotide variant.
Coding change: c.314C>T on transcript NM_024529.5 (MANE Select); coding-DNA position 314, C replaced by T.
Protein change: p.Ser105Leu; replaces serine 105 with leucine.
Molecular consequence: missense variant.
Genome position (GRCh38, 1-based): chr1:193,135,397, C>T. VCF-style: chr1-193135397-C-T. GRCh37 (hg19) VCF-style: chr1-193104527-C-T.
Other names: short protein forms S105L.
Identifiers: ClinVar variation 1044459 (VCV001044459.13), dbSNP rs1675773790, ClinGen allele CA343960298.

ClinVar aggregate classification (germline): Uncertain significance. Review status: criteria provided, multiple submitters, no conflicts (2 of 4 stars). 3 submissions from 3 submitters: Uncertain significance (3). Last evaluated 2025-04-12.

Conditions:
Hereditary cancer-predisposing syndrome. Also called: Hereditary neoplastic syndrome; Neoplastic Syndromes, Hereditary; Tumor predisposition; Hereditary Cancer Syndrome. Identifiers: Orphanet 140162, MedGen C0027672, MeSH D009386, MONDO:0015356.
Parathyroid carcinoma (PRTC). Also called: Parathyroid gland carcinoma; CDC73-Related Parathyroid Carcinoma. Identifiers: Orphanet 143, MedGen C0687150, MONDO:0012004, OMIM 608266, HP:0006780.
Hyperparathyroidism 1 (HRPT1). Also called: HYPERPARATHYROIDISM, FAMILIAL ISOLATED PRIMARY. Identifiers: Orphanet 99879, MedGen C1840402, MONDO:0007767, OMIM 145000.
Hyperparathyroidism 2 with jaw tumors. Also called: Hyperparathyroidism-Jaw Tumor Syndrome; Hyperparathyroidism 2; HYPERPARATHYROIDISM, FAMILIAL PRIMARY, WITH MULTIPLE OSSIFYING JAW FIBROMAS; HYPERPARATHYROIDISM-JAW TUMOR SYNDROME, HEREDITARY. Identifiers: Orphanet 99880, MedGen C1704981, MONDO:0007768, OMIM 145001.

Submissions (3):

Ambry Genetics
Classification: Uncertain significance for Hereditary cancer-predisposing syndrome. Last evaluated: 2025-04-12. Review status: criteria provided, single submitter. Criteria: Ambry Variant Classification Scheme 2023. Collection method: clinical testing. Allele origin: germline.
Comment: The p.S105L variant (also known as c.314C>T), located in coding exon 4 of the CDC73 gene, results from a C to T substitution at nucleotide position 314. The serine at codon 105 is replaced by leucine, an amino acid with dissimilar properties. This amino acid position is highly conserved in available vertebrate species. In addition, the in silico prediction for this alteration is inconclusive. Since supporting evidence is limited at this time, the clinical significance of this alteration remains unclear.

Labcorp Genetics (formerly Invitae), Labcorp
Classification: Uncertain significance for Parathyroid carcinoma. Last evaluated: 2025-02-25. Review status: criteria provided, single submitter. Criteria: Invitae Variant Classification Sherloc (09022015). Collection method: clinical testing. Allele origin: germline.
Comment: This sequence change replaces serine, which is neutral and polar, with leucine, which is neutral and non-polar, at codon 105 of the CDC73 protein (p.Ser105Leu). This variant is not present in population databases (gnomAD no frequency). This variant has not been reported in the literature in individuals affected with CDC73-related conditions. ClinVar contains an entry for this variant (Variation ID: 1044459). Invitae Evidence Modeling of protein sequence and biophysical properties (such as structural, functional, and spatial information, amino acid conservation, physicochemical variation, residue mobility, and thermodynamic stability) indicates that this missense variant is not expected to disrupt CDC73 protein function with a negative predictive value of 80%. In summary, the available evidence is currently insufficient to determine the role of this variant in disease. Therefore, it has been classified as a Variant of Uncertain Significance.

Fulgent Genetics
Classification: Uncertain significance for Hyperparathyroidism 1; Hyperparathyroidism 2 with jaw tumors; Parathyroid carcinoma. Last evaluated: 2022-04-29. Review status: criteria provided, single submitter. Criteria: ACMG Guidelines, 2015. Collection method: clinical testing. Allele origin: unknown.